The following is an entry in ClinVar:

ClinVar aggregate classification (germline): Uncertain significance (1 of 4 stars; one submission).

Submission:

GeneDx
Classification: Uncertain significance. Last evaluated: 2026-05-20. Review status: criteria provided, single submitter. Criteria: GeneDx Variant Classification Process June 2021. Collection method: clinical testing. Allele origin: germline.
Comment: In silico analysis supports that this missense variant has a deleterious effect on protein structure/function; Has not been previously published as pathogenic or benign to our knowledge

NM_001368397.1(FRMPD4):c.1534T>C (p.Tyr512His)

Gene: FRMPD4 (FERM and PDZ domain containing 4; plus strand). Cytogenetic location: Xp22.2.
Variant type: single nucleotide variant.
Coding change: c.1534T>C on transcript NM_001368397.1 (MANE Select); coding-DNA position 1534, T replaced by C.
Protein change: p.Tyr512His; replaces tyrosine 512 with histidine.
Molecular consequence: missense variant.
Genome position (GRCh38, 1-based): chrX:12,710,462, T>C. VCF-style: chrX-12710462-T-C. GRCh37 (hg19) VCF-style: chrX-12728581-T-C.
Other names: c.1645T>C, p.Tyr549His (NM_001368395.3, NM_001368398.3); c.1540T>C, p.Tyr514His (NM_001368396.3); c.1525T>C, p.Tyr509His (NM_001368399.3); c.1414T>C, p.Tyr472His (NM_001368400.3); c.1510T>C, p.Tyr504His (NM_001368401.1, NM_001368402.3); c.1534T>C, p.Tyr512His (NM_014728.3); short protein forms Y472H, Y504H, Y509H, Y512H, Y514H, Y549H.
Identifiers: ClinVar variation 4529975 (VCV004529975.2).